The following is an entry in ClinVar:

NM_007294.4(BRCA1):c.460G>A (p.Val154Ile)

Gene: BRCA1 (BRCA1 DNA repair associated; minus strand). Cytogenetic location: 17q21.31.
Variant type: single nucleotide variant.
Coding change: c.460G>A on transcript NM_007294.4 (MANE Select); coding-DNA position 460, G replaced by A.
Protein change: p.Val154Ile; replaces valine 154 with isoleucine.
Molecular consequence: missense variant. On other transcripts: non-coding transcript variant (1).
Genome position (GRCh38, 1-based): chr17:43,099,862, C>T on the plus strand (G>A on the coding strand, the complement: BRCA1 is on the minus strand). VCF-style: chr17-43099862-C-T. GRCh37 (hg19) VCF-style: chr17-41251879-C-T.
Other names: c.379G>A, p.Val127Ile (NM_001408413.1, NM_001407659.1, NM_001407660.1 and 6 more transcripts); c.460G>A, p.Val154Ile (NM_001408404.1, NM_001408406.1, NM_001407664.1 and 97 more transcripts); c.457G>A, p.Val153Ile (NM_001408407.1, NM_001408495.1, NM_001407587.1 and 65 more transcripts); c.451G>A, p.Val151Ile (NM_001408408.1, NM_001407646.1, NM_001407647.1); c.319G>A, p.Val107Ile (NM_001408410.1, NM_001408496.1, NM_001408497.1 and 61 more transcripts); c.382G>A, p.Val128Ile (NM_001408411.1, NM_001408412.1, NM_001408409.1 and 12 more transcripts); c.250G>A, p.Val84Ile (NM_001408482.1, NM_001408483.1, NM_001408484.1 and 37 more transcripts); c.247G>A, p.Val83Ile (NM_001408490.1, NM_001408491.1, NM_001408493.1 and 18 more transcripts); and 4 more; short protein forms V154I, V107I, V109I, V83I, V127I, V128I, V153I, V84I.
Identifiers: ClinVar variation 418595 (VCV000418595.14), dbSNP rs1064793318, ClinGen allele CA10601214.
Genomic context (GRCh38, chr17:43,099,862, plus strand): 5'-GAGGTTGTATCCGCTGCTTTGTCCTCAGAGTTCTCACAGTTCCAAGGTTAGAGAGTTGGA[C>T]ACTGAGACTGGTTTCCTGCTAAACAGTATGGTAAAGAACAGTCAAGCAATTGTTGGCCAG-3'
Protein context (NP_009225.1, residues 144-164): NPSLQETSLS[Val154Ile]QLSNLGTVRT

ClinVar aggregate classification (germline): Uncertain significance. Review status: criteria provided, multiple submitters, no conflicts (2 of 4 stars). 3 submissions from 3 submitters: Uncertain significance (3). Last evaluated 2025-07-19.

Conditions:
Hereditary cancer-predisposing syndrome. Also called: Hereditary neoplastic syndrome; Tumor predisposition; Neoplastic Syndromes, Hereditary; Hereditary Cancer Syndrome. Identifiers: Orphanet 140162, MedGen C0027672, MeSH D009386, MONDO:0015356.
Hereditary breast ovarian cancer syndrome. Also called: Hereditary breast and ovarian cancer; Hereditary breast and/or ovarian cancer syndrome; Hereditary breast and ovarian cancer syndrome; Hereditary breast and ovarian cancer syndrome (HBOC); Breast and ovarian cancer; BRCA1- and BRCA2-Associated Hereditary Breast and Ovarian Cancer. Identifiers: Orphanet 145, MedGen C0677776, MeSH D061325, MONDO:0003582. Disease mechanism: loss of function.

Allele frequency attached by ClinVar (database versions not stated): gnomAD exomes below 0.00001.
gnomAD v4.1: 1 of 1,613,136 alleles (0.000062%); highest among the groups gnomAD compares: East Asian, 0.0022%; no homozygotes.

Submissions (3):

Labcorp Genetics (formerly Invitae), Labcorp
Classification: Uncertain significance for Hereditary breast ovarian cancer syndrome. Last evaluated: 2025-07-19. Review status: criteria provided, single submitter. Criteria: Invitae Variant Classification Sherloc (09022015). Collection method: clinical testing. Allele origin: germline.
Comment: This sequence change replaces valine, which is neutral and non-polar, with isoleucine, which is neutral and non-polar, at codon 154 of the BRCA1 protein (p.Val154Ile). This variant is not present in population databases (gnomAD no frequency). This variant has not been reported in the literature in individuals affected with BRCA1-related conditions. This missense change has been observed to co-occur in individuals with a different variant in BRCA1 that has been determined to be pathogenic (internal data), but the significance of this finding is unclear. ClinVar contains an entry for this variant (Variation ID: 418595). Invitae Evidence Modeling of protein sequence and biophysical properties (such as structural, functional, and spatial information, amino acid conservation, physicochemical variation, residue mobility, and thermodynamic stability) indicates that this missense variant is not expected to disrupt BRCA1 protein function with a negative predictive value of 80%. In summary, the available evidence is currently insufficient to determine the role of this variant in disease. Therefore, it has been classified as a Variant of Uncertain Significance.

Ambry Genetics
Classification: Uncertain significance for Hereditary cancer-predisposing syndrome. Last evaluated: 2024-01-29. Review status: criteria provided, single submitter. Criteria: Ambry Variant Classification Scheme 2023. Collection method: clinical testing. Allele origin: germline.
Comment: The p.V154I variant (also known as c.460G>A), located in coding exon 6 of the BRCA1 gene, results from a G to A substitution at nucleotide position 460. The valine at codon 154 is replaced by isoleucine, an amino acid with highly similar properties. This amino acid position is not well conserved in available vertebrate species. In addition, the in silico prediction for this alteration is inconclusive. Since supporting evidence is limited at this time, the clinical significance of this alteration remains unclear.

GeneDx
Classification: Uncertain significance. Last evaluated: 2016-05-09. Review status: criteria provided, single submitter. Criteria: GeneDx Variant Classification (06012015). Collection method: clinical testing. Allele origin: germline. Affected: yes.
Comment: This variant is denoted BRCA1 c.460G>A at the cDNA level, p.Val154Ile (V154I) at the protein level, and results in the change of a Valine to an Isoleucine (GTC>ATC). Using alternate nomenclature, this variant would be defined as BRCA1 579G>A. This variant has not, to our knowledge, been published in the literature as pathogenic or benign. BRCA1 Val154Ile was not observed in approximately 6,500 individuals of European and African American ancestry in the NHLBI Exome Sequencing Project, suggesting it is not a common benign variant in these populations. Since Valine and Isoleucine share similar properties, this is considered a conservative amino acid substitution. BRCA1 Val154Ile occurs at a position where amino acids with properties similar to Valine are tolerated across species and is located within the region of interaction with BRD7 (Harte 2010). In silico analyses are inconsistent regarding the effect this variant may have on protein structure and function. Based on currently available evidence, it is unclear whether BRCA1 Val154Ile is a pathogenic or benign variant. We consider it to be a variant of uncertain significance.